The following is an entry in ClinVar:

ClinVar aggregate classification (germline): Likely pathogenic (1 of 4 stars; one submission).

Conditions:
Renal carnitine transport defect (CDSP). Also called: Systemic primary carnitine deficiency; Primary carnitine deficiency; CARNITINE DEFICIENCY, SYSTEMIC, DUE TO DEFECT IN RENAL REABSORPTION OF CARNITINE; CARNITINE TRANSPORTER, PLASMA-MEMBRANE, DEFICIENCY OF; CARNITINE UPTAKE DEFECT; Carnitine transporter deficiency. Identifiers: Orphanet 158, MedGen C0342788, MONDO:0008919, OMIM 212140.

Submission:

Women's Health and Genetics/Laboratory Corporation of America, LabCorp
Classification: Likely pathogenic for Renal carnitine transport defect. Last evaluated: 2023-03-19. Review status: criteria provided, single submitter. Criteria: LabCorp Variant Classification Summary - May 2015. Collection method: clinical testing. Allele origin: germline.
Comment: Variant summary: SLC22A5 c.278C>A (p.Ser93X) results in a premature termination codon, predicted to cause a truncation of the encoded protein or absence of the protein due to nonsense mediated decay, which are commonly known mechanisms for disease. Truncations downstream of this position have been classified as pathogenic by our laboratory. The variant was absent in 182826 control chromosomes (gnomAD). To our knowledge, no occurrence of c.278C>A in individuals affected with Systemic Primary Carnitine Deficiency and no experimental evidence demonstrating its impact on protein function have been reported. No clinical diagnostic laboratories have submitted clinical-significance assessments for this variant to ClinVar after 2014. Based on the evidence outlined above, the variant was classified as likely pathogenic.

NM_003060.4(SLC22A5):c.278C>A (p.Ser93Ter)

Gene: SLC22A5 (solute carrier family 22 member 5; plus strand). Cytogenetic location: 5q31.1.
Variant type: single nucleotide variant.
Coding change: c.278C>A on transcript NM_003060.4 (MANE Select); coding-DNA position 278, C replaced by A.
Protein change: p.Ser93Ter; replaces serine 93 with a stop codon.
Molecular consequence: nonsense.
Genome position (GRCh38, 1-based): chr5:132,370,250, C>A. VCF-style: chr5-132370250-C-A. GRCh37 (hg19) VCF-style: chr5-131705942-C-A.
Other names: c.278C>A, p.Ser93Ter (NM_001308122.2); short protein forms S93*.
Identifiers: ClinVar variation 2501139 (VCV002501139.1), dbSNP rs386134190, ClinGen allele CA360802726.